The following is an entry in ClinVar:

NM_000548.5(TSC2):c.4841T>G (p.Ile1614Ser)

Gene: TSC2 (TSC complex subunit 2; plus strand). Cytogenetic location: 16p13.3.
Variant type: single nucleotide variant.
Coding change: c.4841T>G on transcript NM_000548.5 (MANE Select); coding-DNA position 4841, T replaced by G.
Protein change: p.Ile1614Ser; replaces isoleucine 1614 with serine.
Molecular consequence: missense variant.
Genome position (GRCh38, 1-based): chr16:2,086,371, T>G. VCF-style: chr16-2086371-T-G. GRCh37 (hg19) VCF-style: chr16-2136372-T-G.
Other names: c.4640T>G, p.Ile1547Ser (NM_001077183.3); c.4772T>G, p.Ile1591Ser (NM_001114382.3); c.4532T>G, p.Ile1511Ser (NM_001318827.2); c.4496T>G, p.Ile1499Ser (NM_001318829.2); c.4109T>G, p.Ile1370Ser (NM_001318831.2); c.4673T>G, p.Ile1558Ser (NM_001318832.2); c.4643T>G, p.Ile1548Ser (NM_001363528.2); c.4709T>G, p.Ile1570Ser (NM_001370404.1); and 1 more; short protein forms I1570S, I1499S, I1558S, I1571S, I1591S, I1614S, I1370S, I1511S.
Identifiers: ClinVar variation 846298 (VCV000846298.9), dbSNP rs2090789775, ClinGen allele CA394308144.

ClinVar aggregate classification (germline): Uncertain significance (1 of 4 stars; one submission).

Conditions:
Tuberous sclerosis 2 (TSC2). Identifiers: Orphanet 805, MedGen C1860707, MONDO:0013199, OMIM 613254.

Submission:

Labcorp Genetics (formerly Invitae), Labcorp
Classification: Uncertain significance for Tuberous sclerosis 2. Last evaluated: 2019-02-04. Review status: criteria provided, single submitter. Criteria: Invitae Variant Classification Sherloc (09022015). Collection method: clinical testing. Allele origin: germline.
Comment: In summary, the available evidence is currently insufficient to determine the role of this variant in disease. Therefore, it has been classified as a Variant of Uncertain Significance. Algorithms developed to predict the effect of missense changes on protein structure and function are either unavailable or do not agree on the potential impact of this missense change (SIFT: "Deleterious"; PolyPhen-2: "Probably Damaging"; Align-GVGD: "Class C0"). This variant has not been reported in the literature in individuals with TSC2-related conditions. This variant is not present in population databases (ExAC no frequency). This sequence change replaces isoleucine with serine at codon 1614 of the TSC2 protein (p.Ile1614Ser). The isoleucine residue is highly conserved and there is a large physicochemical difference between isoleucine and serine.